The following is an entry in ClinVar:

ClinVar aggregate classification (germline): Uncertain significance (1 of 4 stars; one submission).

Conditions:
Hereditary spherocytosis type 1. Also called: Spherocytosis type 1; ANK1-Related Spherocytosis. Identifiers: Orphanet 822, MedGen C2674218, MONDO:0008447, OMIM 182900.

gnomAD v4.1: 5 of 1,614,024 alleles (0.00031%); highest among the groups gnomAD compares: South Asian, 0.0044%; no homozygotes.

Submission:

Johns Hopkins Genomics, Johns Hopkins University
Classification: Uncertain significance for Hereditary spherocytosis type 1. Last evaluated: 2024-04-29. Review status: criteria provided, single submitter. Criteria: ACMG Guidelines, 2015. Collection method: clinical testing. Allele origin: germline.
Comment: This ANK1 missense variant (rs775578121) is rare (<0.1%) in a large population dataset (gnomAD v4.1.0: 5/1461758 total alleles; 0.0003%; no homozygotes). It has not been reported in ClinVar nor the literature, to our knowledge. Two bioinformatic tools queried predict that this substitution would be damaging, and the isoleucine residue at this position is evolutionarily conserved across all of the species assessed. We consider the clinical significance of c.3433A>T in ANK1 to be uncertain at this time.

Literature cited by the submitters: PubMed 31980736.

NM_000037.4(ANK1):c.3433A>T (p.Ile1145Phe)

Gene: ANK1 (ankyrin 1; minus strand). Cytogenetic location: 8p11.21.
Variant type: single nucleotide variant.
Coding change: c.3433A>T on transcript NM_000037.4 (MANE Select); coding-DNA position 3433, A replaced by T.
Protein change: p.Ile1145Phe; replaces isoleucine 1145 with phenylalanine.
Molecular consequence: missense variant.
Genome position (GRCh38, 1-based): chr8:41,693,997, T>A on the plus strand (A>T on the coding strand, the complement: ANK1 is on the minus strand). VCF-style: chr8-41693997-T-A. GRCh37 (hg19) VCF-style: chr8-41551515-T-A.
Other names: c.3556A>T, p.Ile1186Phe (NM_001142446.2); c.3433A>T, p.Ile1145Phe (NM_020475.3, NM_020476.3, NM_020477.3); short protein forms I1145F, I1186F.
Identifiers: ClinVar variation 4280001 (VCV004280001.1).